The following is an entry in ClinVar:

NM_182961.4(SYNE1):c.21861C>T (p.Asn7287=)

Gene: SYNE1 (spectrin repeat containing nuclear envelope protein 1; minus strand). Cytogenetic location: 6q25.2.
Variant type: single nucleotide variant.
Coding change: c.21861C>T on transcript NM_182961.4 (MANE Select); coding-DNA position 21861, C replaced by T.
Protein change: p.Asn7287=; no amino-acid change (asparagine 7287 retained).
Molecular consequence: synonymous variant.
Genome position (GRCh38, 1-based): chr6:152,220,842, G>A on the plus strand (C>T on the coding strand, the complement: SYNE1 is on the minus strand). VCF-style: chr6-152220842-G-A. GRCh37 (hg19) VCF-style: chr6-152541977-G-A.
Other names: c.21648C>T, p.Asn7216= (NM_033071.5).
Identifiers: ClinVar variation 489366 (VCV000489366.2), dbSNP rs372155442, ClinGen allele CA4054046.

ClinVar aggregate classification (germline): Uncertain significance (1 of 4 stars; one submission).

Allele frequency attached by ClinVar (database versions not stated): gnomAD exomes 0.00001; ExAC 0.00002; gnomAD 0.00003 and 0.00004; TOPMed 0.00004; ESP Exome Variant Server 0.00008.
gnomAD v4.1: 16 of 1,613,214 alleles (0.00099%); highest among the groups gnomAD compares: Middle Eastern, 0.018%; no homozygotes.

Submission:

GeneDx
Classification: Uncertain significance. Last evaluated: 2018-01-18. Review status: criteria provided, single submitter. Criteria: GeneDx Variant Classification (06012015). Collection method: clinical testing. Allele origin: germline. Affected: yes.
Comment: A variant of uncertain significance has been identified in the SYNE1 gene. The c.21648 C>T variant has not been published as a pathogenic variant, nor has it been reported as a benign variant to our knowledge. The c.21648 C>T variant is observed in 3/9844 (0.03%) alleles from individuals of Ashkenazi Jewish background (Lek et al., 2016). This substitution occurs at a position that is not conserved. Several in silico splice prediction models predict that c.21648 C>T weakens the natural donor site in intron 118 and may lead to abnormal gene splicing. However, in the absence of RNA/functional studies, the actual effect of this sequence change in this individual is unknown. Therefore, based on the currently available information, it is unclear whether this variant is a pathogenic variant or a rare benign variant.